The following is an entry in ClinVar:

ClinVar aggregate classification (germline): Likely benign. Review status: criteria provided, single submitter (1 of 4 stars). 2 submissions from 2 submitters: Likely benign (1). 1 of the submissions does not count toward it. Last evaluated 2025-11-07.

Conditions:
Amyotrophic lateral sclerosis type 1 (ALS1). Also called: AMYOTROPHIC LATERAL SCLEROSIS 1, FAMILIAL. Identifiers: Orphanet 803, MedGen C1862939, MONDO:0007103, OMIM 105400.
Perry syndrome. Also called: PARKINSONISM WITH ALVEOLAR HYPOVENTILATION AND MENTAL DEPRESSION. Identifiers: Orphanet 178509, MedGen C1868594, MONDO:0008201, OMIM 168605.
Neuronopathy, distal hereditary motor, type 7B. Also called: Distal Hereditary Motor Neuronopathy Type 7B (dHMN7B); NEURONOPATHY, DISTAL HEREDITARY MOTOR, AUTOSOMAL DOMINANT 14; NEURONOPATHY, DISTAL HEREDITARY MOTOR, HARDING TYPE VIIB; NEUROPATHY, DISTAL HEREDITARY MOTOR, HARDING TYPE VIIB; NEUROPATHY, DISTAL HEREDITARY MOTOR, WITH VOCAL CORD PARALYSIS, HARDING TYPE VIIB; HMN VIIB. Identifiers: Orphanet 139589, MedGen C1843315, MONDO:0011879, OMIM 607641.
DCTN1-related disorder. Also called: DCTN1-related condition.

Allele frequency attached by ClinVar (database versions not stated): gnomAD 0.00001 and 0.00004; TOPMed 0.00005; gnomAD exomes 0.00006; ExAC 0.00008; 1000 Genomes Project 30x 0.00031; 1000 Genomes Project 0.00040.
gnomAD v4.1: 110 of 1,613,734 alleles (0.0068%); highest among the groups gnomAD compares: East Asian, 0.24%; 2 homozygotes.

Submissions (2):

Labcorp Genetics (formerly Invitae), Labcorp
Classification: Likely benign for Amyotrophic lateral sclerosis type 1; Neuronopathy, distal hereditary motor, type 7B; Perry syndrome. Last evaluated: 2025-11-07. Review status: criteria provided, single submitter. Criteria: Invitae Variant Classification Sherloc (09022015). Collection method: clinical testing. Allele origin: germline.

PreventionGenetics, part of Exact Sciences
Classification: Likely benign for DCTN1-related condition. Last evaluated: 2023-08-07. Review status: no assertion criteria provided. Collection method: clinical testing. Allele origin: germline. Not counted in ClinVar's aggregate classification.
Comment: This variant is classified as likely benign based on ACMG/AMP sequence variant interpretation guidelines (Richards et al. 2015 PMID: 25741868, with internal and published modifications).

NM_004082.5(DCTN1):c.2523G>T (p.Leu841=)

Gene: DCTN1 (dynactin subunit 1; minus strand). Cytogenetic location: 2p13.1.
Variant type: single nucleotide variant.
Coding change: c.2523G>T on transcript NM_004082.5 (MANE Select); coding-DNA position 2523, G replaced by T.
Protein change: p.Leu841=; no amino-acid change (leucine 841 retained).
Molecular consequence: synonymous variant. On other transcripts: non-coding transcript variant (1).
Genome position (GRCh38, 1-based): chr2:74,366,564, C>A on the plus strand (G>T on the coding strand, the complement: DCTN1 is on the minus strand). VCF-style: chr2-74366564-C-A. GRCh37 (hg19) VCF-style: chr2-74593691-C-A.
Other names: c.2523G>T (NM_004082.4); c.2463G>T, p.Leu821= (NM_001135040.3); c.2121G>T, p.Leu707= (NM_001135041.3, NM_023019.4); c.2412G>T, p.Leu804= (NM_001190836.2); c.2502G>T, p.Leu834= (NM_001190837.2); c.2472G>T, p.Leu824= (NM_001378991.1); c.2454G>T, p.Leu818= (NM_001378992.1).
Identifiers: ClinVar variation 1101065 (VCV001101065.11), dbSNP rs199501797, ClinGen allele CA1721813.
Genomic context (GRCh38, chr2:74,366,564, plus strand): 5'-TAGCCCCTCATTCTCTGCCAGTGGGGCAATGAGCTGGGCAGCAGCAGCTGCCACCTCCTG[C>A]AGCACAGCCACGACCCACGTCAAGTGTTTCCTGCAGTCTAGGAGCGTGTCAGATACCTGT-3'
Protein context (NP_004073.2, residues 831-851): RKHLTWVVAV[Leu841=]QEVAAAAAQL